The following is an entry in ClinVar:

NM_001111.5(ADAR):c.2002G>A (p.Ala668Thr)

Gene: ADAR (adenosine deaminase RNA specific; minus strand). Cytogenetic location: 1q21.3.
Variant type: single nucleotide variant.
Coding change: c.2002G>A on transcript NM_001111.5 (MANE Select); coding-DNA position 2002, G replaced by A.
Protein change: p.Ala668Thr; replaces alanine 668 with threonine.
Molecular consequence: missense variant.
Genome position (GRCh38, 1-based): chr1:154,597,200, C>T on the plus strand (G>A on the coding strand, the complement: ADAR is on the minus strand). VCF-style: chr1-154597200-C-T. GRCh37 (hg19) VCF-style: chr1-154569676-C-T.
Other names: c.1117G>A, p.Ala373Thr (NM_001025107.3, NM_001193495.2, NM_001365046.1 and 3 more transcripts); c.2029G>A, p.Ala677Thr (NM_001365045.1); c.2002G>A, p.Ala668Thr (NM_015840.4, NM_015841.4); short protein forms A373T, A668T, A677T.
Identifiers: ClinVar variation 3758295 (VCV003758295.2).

ClinVar aggregate classification (germline): Uncertain significance (1 of 4 stars; one submission).

Conditions:
Symmetrical dyschromatosis of extremities (DSH). Also called: DYSCHROMATOSIS SYMMETRICA HEREDITARIA 1; RETICULATE ACROPIGMENTATION OF DOHI; SYMMETRIC DYSCHROMATOSIS OF THE EXTREMITIES; Dyschromatosis symmetrica hereditaria. Identifiers: Orphanet 41, MedGen C0406775, MONDO:0007483, OMIM 127400.
Aicardi-Goutieres syndrome 6 (AGS6). Identifiers: Orphanet 51, MedGen C3539013, MONDO:0014007, OMIM 615010.

gnomAD v4.1: 2 of 1,614,208 alleles (0.00012%); highest among the groups gnomAD compares: Non-Finnish European, 0.00017%; no homozygotes.

Submission:

Labcorp Genetics (formerly Invitae), Labcorp
Classification: Uncertain significance for Aicardi-Goutieres syndrome 6; Symmetrical dyschromatosis of extremities. Last evaluated: 2024-10-09. Review status: criteria provided, single submitter. Criteria: Invitae Variant Classification Sherloc (09022015). Collection method: clinical testing. Allele origin: germline.
Comment: This sequence change replaces alanine, which is neutral and non-polar, with threonine, which is neutral and polar, at codon 668 of the ADAR protein (p.Ala668Thr). This variant is not present in population databases (gnomAD no frequency). This variant has not been reported in the literature in individuals affected with ADAR-related conditions. Invitae Evidence Modeling of protein sequence and biophysical properties (such as structural, functional, and spatial information, amino acid conservation, physicochemical variation, residue mobility, and thermodynamic stability) indicates that this missense variant is not expected to disrupt ADAR protein function with a negative predictive value of 80%. In summary, the available evidence is currently insufficient to determine the role of this variant in disease. Therefore, it has been classified as a Variant of Uncertain Significance.